The following is an entry in ClinVar:

NM_053025.4(MYLK):c.2132C>T (p.Thr711Met)

Gene: MYLK (myosin light chain kinase; minus strand). Cytogenetic location: 3q21.1.
Variant type: single nucleotide variant.
Coding change: c.2132C>T on transcript NM_053025.4 (MANE Select); coding-DNA position 2132, C replaced by T.
Protein change: p.Thr711Met; replaces threonine 711 with methionine.
Molecular consequence: missense variant.
Genome position (GRCh38, 1-based): chr3:123,708,706, G>A on the plus strand (C>T on the coding strand, the complement: MYLK is on the minus strand). VCF-style: chr3-123708706-G-A. GRCh37 (hg19) VCF-style: chr3-123427553-G-A.
Other names: c.1604C>T, p.Thr535Met (NM_001321309.2); c.1925C>T, p.Thr642Met (NM_053026.4, NM_053028.4); c.2132C>T, p.Thr711Met (NM_053027.4); short protein forms T711M, T535M, T642M.
Identifiers: ClinVar variation 430348 (VCV000430348.13), dbSNP rs531232445, ClinGen allele CA068127.
Genomic context (GRCh38, chr3:123,708,706, plus strand): 5'-AGGGGCTGCAGCAGCATCTCCTTCCCACTCGCTCTGAGTGGGTCAGCCTCACCTTGTACC[G>A]TGAGCACGGCCTGGGTGCGGACCTCTCCAGCGCTGTTCCAGGCCTCGCAGGTGTACGTGC-3'
Protein context (NP_444253.3, residues 701-721): AGEVRTQAVL[Thr711Met]VQEPHDGTQP

ClinVar aggregate classification (germline): Uncertain significance. Review status: criteria provided, multiple submitters, no conflicts (2 of 4 stars). 4 submissions from 4 submitters: Uncertain significance (4). Last evaluated 2025-12-30.

Conditions:
Familial thoracic aortic aneurysm and aortic dissection (TAAD). Also called: Thoracic aortic aneurysms and dissections. Identifiers: Orphanet 91387, MedGen C4707243, MONDO:0019625.
Aortic aneurysm, familial thoracic 7 (AAT7). Also called: AORTIC DISSECTION, FAMILIAL, WITH OR WITHOUT AORTIC ANEURYSM. Identifiers: MedGen C3151077, MONDO:0013418, OMIM 613780.

Allele frequency attached by ClinVar (database versions not stated): ExAC 0.00003; gnomAD 0.00003 and 0.00004; gnomAD exomes 0.00003; TOPMed 0.00006; 1000 Genomes Project 30x 0.00016; 1000 Genomes Project 0.00020.

Submissions (4):

GeneDx
Classification: Uncertain significance. Last evaluated: 2025-12-30. Review status: criteria provided, single submitter. Criteria: GeneDx Variant Classification Process June 2021. Collection method: clinical testing. Allele origin: germline. Affected: yes.
Comment: Has not been previously published as pathogenic or benign to our knowledge; In silico analysis suggests that this missense variant does not alter protein structure/function

Ambry Genetics
Classification: Uncertain significance for Familial thoracic aortic aneurysm and aortic dissection. Last evaluated: 2025-05-16. Review status: criteria provided, single submitter. Criteria: Ambry Variant Classification Scheme 2023. Collection method: clinical testing. Allele origin: germline.
Comment: The p.T711M variant (also known as c.2132C>T), located in coding exon 12 of the MYLK gene, results from a C to T substitution at nucleotide position 2132. The threonine at codon 711 is replaced by methionine, an amino acid with similar properties. This amino acid position is well conserved in available vertebrate species. In addition, this alteration is predicted to be tolerated by in silico analysis. Based on the available evidence, the clinical significance of this variant remains unclear.

Labcorp Genetics (formerly Invitae), Labcorp
Classification: Uncertain significance for Aortic aneurysm, familial thoracic 7. Last evaluated: 2024-07-13. Review status: criteria provided, single submitter. Criteria: Invitae Variant Classification Sherloc (09022015). Collection method: clinical testing. Allele origin: germline.
Comment: This sequence change replaces threonine, which is neutral and polar, with methionine, which is neutral and non-polar, at codon 711 of the MYLK protein (p.Thr711Met). This variant is present in population databases (rs531232445, gnomAD 0.007%). This variant has not been reported in the literature in individuals affected with MYLK-related conditions. ClinVar contains an entry for this variant (Variation ID: 430348). Advanced modeling of protein sequence and biophysical properties (such as structural, functional, and spatial information, amino acid conservation, physicochemical variation, residue mobility, and thermodynamic stability) performed at Invitae indicates that this missense variant is not expected to disrupt MYLK protein function with a negative predictive value of 80%. In summary, the available evidence is currently insufficient to determine the role of this variant in disease. Therefore, it has been classified as a Variant of Uncertain Significance.

Women's Health and Genetics/Laboratory Corporation of America, LabCorp
Classification: Uncertain significance. Last evaluated: 2023-08-10. Review status: criteria provided, single submitter. Criteria: LabCorp Variant Classification Summary - May 2015. Collection method: clinical testing. Allele origin: germline.